The following is an entry in ClinVar:

ClinVar aggregate classification (germline): Uncertain significance (1 of 4 stars; one submission).

Allele frequency attached by ClinVar (database versions not stated): gnomAD 0.00001; TOPMed 0.00003.
gnomAD v4.1: 20 of 1,614,016 alleles (0.0012%); highest among the groups gnomAD compares: South Asian, 0.0066%; no homozygotes.

Submission:

Labcorp Genetics (formerly Invitae), Labcorp
Classification: Uncertain significance. Last evaluated: 2024-03-15. Review status: criteria provided, single submitter. Criteria: Invitae Variant Classification Sherloc (09022015). Collection method: clinical testing. Allele origin: germline.
Comment: This sequence change replaces arginine, which is basic and polar, with cysteine, which is neutral and slightly polar, at codon 264 of the TUBA8 protein (p.Arg264Cys). The frequency data for this variant in the population databases is considered unreliable, as metrics indicate poor data quality at this position in the gnomAD database. This variant has not been reported in the literature in individuals affected with TUBA8-related conditions. ClinVar contains an entry for this variant (Variation ID: 1952428). Advanced modeling of protein sequence and biophysical properties (such as structural, functional, and spatial information, amino acid conservation, physicochemical variation, residue mobility, and thermodynamic stability) performed at Invitae indicates that this missense variant is expected to disrupt TUBA8 protein function with a positive predictive value of 80%. In summary, the available evidence is currently insufficient to determine the role of this variant in disease. Therefore, it has been classified as a Variant of Uncertain Significance.

NM_018943.3(TUBA8):c.790C>T (p.Arg264Cys)

Gene: TUBA8 (tubulin alpha 8; plus strand). Cytogenetic location: 22q11.21.
Variant type: single nucleotide variant.
Coding change: c.790C>T on transcript NM_018943.3 (MANE Select); coding-DNA position 790, C replaced by T.
Protein change: p.Arg264Cys; replaces arginine 264 with cysteine.
Molecular consequence: missense variant.
Genome position (GRCh38, 1-based): chr22:18,126,768, C>T. VCF-style: chr22-18126768-C-T. GRCh37 (hg19) VCF-style: chr22-18609535-C-T.
Other names: c.592C>T, p.Arg198Cys (NM_001193414.2); short protein forms R198C, R264C.
Identifiers: ClinVar variation 1952428 (VCV001952428.5), dbSNP rs748797090, ClinGen allele CA10093757.